The following is an entry in ClinVar:

NM_005159.5(ACTC1):c.275_277del (p.Phe92del)

Genes: ACTC1 (actin alpha cardiac muscle 1; minus strand), GJD2-DT (GJD2 divergent transcript; plus strand). Cytogenetic location: 15q14.
Variant type: Deletion.
Coding change: c.275_277del on transcript NM_005159.5 (MANE Select); coding-DNA positions 275 to 277, 3 bases deleted (TCT; older notation c.275_277delTCT).
Protein change: p.Phe92del; deletes phenylalanine 92.
Molecular consequence: inframe deletion.
Genome position (GRCh38, 1-based): chr15:34,793,422-34,793,424, AGA deleted on the plus strand (TCT on the coding strand, the reverse complement: ACTC1 is on the minus strand); deleting any 3 consecutive bases within chr15:34,793,422-34,793,426 gives the same sequence; the c. name uses the placement nearest the transcript's 3' end. VCF-style (leftmost placement, unchanged base first): chr15-34793421-TAGA-T. GRCh37 (hg19) VCF-style: chr15-35085622-TAGA-T.
Other names: c.275_277del (LRG_388t1); c.275_277delTCT (NM_005159.4); short protein forms F92del.
Identifiers: ClinVar variation 180753 (VCV000180753.8), dbSNP rs730880388, ClinGen allele CA019727.

ClinVar aggregate classification (germline): Conflicting classifications of pathogenicity. Review status: criteria provided, conflicting classifications (1 of 4 stars). 4 submissions from 4 submitters: Likely pathogenic (3); Uncertain significance (1). Last evaluated 2025-07-23.

Conditions:
Hypertrophic cardiomyopathy 11. Also called: ACTC1-Related Familial Hypertrophic Cardiomyopathy. Identifiers: MedGen C2677506, MONDO:0012799, OMIM 612098.
Dilated cardiomyopathy 1R (CMD1R). Identifiers: Orphanet 154, Orphanet 54260, MedGen C3150681, MONDO:0013261, OMIM 613424.
Atrial septal defect 5 (ASD5). Identifiers: Orphanet 1478, MedGen C2748552, MONDO:0013011, OMIM 612794.

Submissions (4):

Labcorp Genetics (formerly Invitae), Labcorp
Classification: Uncertain significance for Dilated cardiomyopathy 1R; Hypertrophic cardiomyopathy 11; Atrial septal defect 5. Last evaluated: 2025-07-23. Review status: criteria provided, single submitter. Criteria: Invitae Variant Classification Sherloc (09022015). Collection method: clinical testing. Allele origin: germline.
Comment: This variant, c.275_277del, results in the deletion of 1 amino acid(s) of the ACTC1 protein (p.Phe92del), but otherwise preserves the integrity of the reading frame. This variant is not present in population databases (gnomAD no frequency). This variant has been observed in individual(s) with ACTC1-related conditions (PMID: 20031618, 32746448). This variant is also known as F90del. ClinVar contains an entry for this variant (Variation ID: 180753). Algorithms developed to predict the effect of variants on gene product structure and function are not available or were not evaluated for this variant. Experimental studies have shown that this variant affects ACTC1 function (PMID: 31481237). In summary, the available evidence is currently insufficient to determine the role of this variant in disease. Therefore, it has been classified as a Variant of Uncertain Significance.

Department of Genetics, Rouen University Hospital, Normandy Center for Genomic and Personalized Medicine
Classification: Likely pathogenic for Hypertrophic cardiomyopathy 11. Last evaluated: 2021-10-06. Review status: criteria provided, single submitter. Criteria: ACMG Guidelines, 2015. Collection method: clinical testing. Allele origin: paternal. Affected: yes.

GeneDx
Classification: Likely pathogenic. Last evaluated: 2019-03-27. Review status: criteria provided, single submitter. Criteria: GeneDx Variant Classification Process June 2021. Collection method: clinical testing. Allele origin: germline. Affected: yes.
Comment: Not observed in large population cohorts (Lek et al., 2016); In silico analysis, which includes protein predictors and evolutionary conservation, supports a deleterious effect; This variant is associated with the following publications: (PMID: 20031618, 31481237)

Stanford Center for Inherited Cardiovascular Disease, Stanford University
Classification: Likely pathogenic. Last evaluated: 2014-12-03. Review status: criteria provided, single submitter. Criteria: ACMG Guidelines, 2015. Collection method: provider interpretation. Allele origin: germline.

Literature cited by the submitters: PubMed 20031618 (cited by Labcorp Genetics (formerly Invitae), Labcorp); PubMed 32746448 (cited by Labcorp Genetics (formerly Invitae), Labcorp); PubMed 31481237 (cited by Labcorp Genetics (formerly Invitae), Labcorp).